The following is an entry in ClinVar:

NM_000350.3(ABCA4):c.3191-2A>G

Gene: ABCA4 (ATP binding cassette subfamily A member 4; minus strand). Cytogenetic location: 1p22.1.
Variant type: single nucleotide variant.
Coding change: c.3191-2A>G on transcript NM_000350.3 (MANE Select); the canonical splice acceptor site of the intron before coding-DNA position 3191, A replaced by G.
Molecular consequence: splice acceptor variant.
Genome position (GRCh38, 1-based): chr1:94,042,900, T>C on the plus strand (A>G on the coding strand, the complement: ABCA4 is on the minus strand). VCF-style: chr1-94042900-T-C. GRCh37 (hg19) VCF-style: chr1-94508456-T-C.
Identifiers: ClinVar variation 99205 (VCV000099205.9), dbSNP rs61752415, ClinGen allele CA227090.

ClinVar aggregate classification (germline): Pathogenic. Review status: criteria provided, multiple submitters, no conflicts (2 of 4 stars). 4 submissions from 4 submitters: Pathogenic (3). 1 of the submissions does not count toward it. Last evaluated 2024-05-23.

Conditions:
Retinal dystrophy. Also called: Inherited retinal dystrophy. Identifiers: Orphanet 71862, MedGen C0854723, MeSH D058499, MONDO:0019118, HP:0000556.
ABCA4-related disorder. Also called: ABCA4-related disorders; ABCA4-related condition. Identifiers: MedGen CN239167.

Allele frequency attached by ClinVar (database versions not stated): gnomAD exomes below 0.00001.
gnomAD v4.1: 1 of 1,614,186 alleles (0.000062%); highest among the groups gnomAD compares: Non-Finnish European, 0.000085%; no homozygotes.

Submissions (4):

Labcorp Genetics (formerly Invitae), Labcorp
Classification: Pathogenic. Last evaluated: 2024-05-23. Review status: criteria provided, single submitter. Criteria: Invitae Variant Classification Sherloc (09022015). Collection method: clinical testing. Allele origin: germline.
Comment: This sequence change affects an acceptor splice site in intron 21 of the ABCA4 gene. It is expected to disrupt RNA splicing. Variants that disrupt the donor or acceptor splice site typically lead to a loss of protein function (PMID: 16199547), and loss-of-function variants in ABCA4 are known to be pathogenic (PMID: 10958761, 24938718, 25312043, 26780318). This variant is present in population databases (rs61752415, gnomAD 0.0009%). Disruption of this splice site has been observed in individual(s) with generalized retinal dystrophy and/or Stargardt disease (PMID: 22229821, 28559085). In at least one individual the data is consistent with being in trans (on the opposite chromosome) from a pathogenic variant. ClinVar contains an entry for this variant (Variation ID: 99205). Algorithms developed to predict the effect of sequence changes on RNA splicing suggest that this variant may disrupt the consensus splice site. For these reasons, this variant has been classified as Pathogenic.

Blueprint Genetics
Classification: Pathogenic for ABCA4-related disorders. Last evaluated: 2023-01-11. Review status: criteria provided, single submitter. Criteria: ACMG Guidelines, 2015. Collection method: clinical testing. Allele origin: germline. Affected: yes. Observed: 4 variant alleles.

Institute of Human Genetics, Univ. Regensburg, Univ. Regensburg
Classification: Pathogenic for Retinal dystrophy. Last evaluated: 2019-01-01. Review status: criteria provided, single submitter. Criteria: ACMG Guidelines, 2015. Collection method: clinical testing. Allele origin: germline. Affected: yes.

Retina International
No classification provided. Review status: no classification provided. Collection method: not provided. Allele origin: not provided. Not counted in ClinVar's aggregate classification.

Literature cited by the submitters: PubMed 16199547 (cited by Labcorp Genetics (formerly Invitae), Labcorp); PubMed 10958761 (cited by Labcorp Genetics (formerly Invitae), Labcorp); PubMed 24938718 (cited by Labcorp Genetics (formerly Invitae), Labcorp); PubMed 25312043 (cited by Labcorp Genetics (formerly Invitae), Labcorp); PubMed 26780318 (cited by Labcorp Genetics (formerly Invitae), Labcorp); PubMed 22229821 (cited by Labcorp Genetics (formerly Invitae), Labcorp and Institute of Human Genetics, Univ. Regensburg, Univ. Regensburg); PubMed 28559085 (cited by Labcorp Genetics (formerly Invitae), Labcorp and Institute of Human Genetics, Univ. Regensburg, Univ. Regensburg); PubMed 24713488 (cited by Institute of Human Genetics, Univ. Regensburg, Univ. Regensburg); PubMed 31964843 (cited by Institute of Human Genetics, Univ. Regensburg, Univ. Regensburg).